The following is an entry in ClinVar:

ClinVar aggregate classification (germline): Benign. Review status: criteria provided, multiple submitters, no conflicts (2 of 4 stars). 5 submissions from 4 submitters: Benign (5). Last evaluated 2021-05-30.

Conditions:
Hereditary cancer-predisposing syndrome. Also called: Neoplastic Syndromes, Hereditary; Hereditary neoplastic syndrome; Tumor predisposition; Hereditary Cancer Syndrome. Identifiers: Orphanet 140162, MedGen C0027672, MeSH D009386, MONDO:0015356.
Familial spontaneous pneumothorax (PSP). Identifiers: Orphanet 2903, MedGen C1868193, MONDO:0008259, OMIM 173600.
Birt-Hogg-Dube syndrome. Also called: Birt Hogg Dubé syndrome. Identifiers: Orphanet 122, MedGen C0346010, MONDO:0800444.

Allele frequency attached by ClinVar (database versions not stated): 1000 Genomes Project 0.03295; gnomAD 0.03341 and 0.03572; 1000 Genomes Project 30x 0.03763; TOPMed 0.03839.

Submissions (5):

Sema4
Classification: Benign for Hereditary cancer-predisposing syndrome. Last evaluated: 2021-05-30. Review status: criteria provided, single submitter. Criteria: Sema4 Curation Guidelines. Collection method: curation. Allele origin: germline.

Illumina Laboratory Services, Illumina
Classification: Benign for Birt-Hogg-Dube syndrome 1. Last evaluated: 2018-01-13. Review status: criteria provided, single submitter. Criteria: ICSL Variant Classification Criteria 13 December 2019. Collection method: clinical testing. Allele origin: germline.
Comment: This variant was observed in the ICSL laboratory as part of a predisposition screen in an ostensibly healthy population. It had not been previously curated by ICSL or reported in the Human Gene Mutation Database (HGMD: prior to June 1st, 2018), and was therefore a candidate for classification through an automated scoring system. Utilizing variant allele frequency, disease prevalence and penetrance estimates, and inheritance mode, an automated score was calculated to assess if this variant is too frequent to cause the disease. Based on the score and internal cut-off values, a variant classified as benign is not then subjected to further curation. The score for this variant resulted in a classification of benign for this disease.

Illumina Laboratory Services, Illumina
Classification: Benign for Familial spontaneous pneumothorax. Last evaluated: 2018-01-13. Review status: criteria provided, single submitter. Criteria: ICSL Variant Classification Criteria 13 December 2019. Collection method: clinical testing. Allele origin: germline.
Comment: the same text as in the submission from Illumina Laboratory Services, Illumina above.

GeneDx
Classification: Benign. Last evaluated: 2016-03-25. Review status: criteria provided, single submitter. Criteria: GeneDx Variant Classification (06012015). Collection method: clinical testing. Allele origin: germline. Affected: yes.
Comment: This variant is considered likely benign or benign based on one or more of the following criteria: it is a conservative change, it occurs at a poorly conserved position in the protein, it is predicted to be benign by multiple in silico algorithms, and/or has population frequency not consistent with disease.

Breakthrough Genomics
Classification: Benign. Review status: criteria provided, single submitter. Criteria: ACMG Guidelines, 2015. Collection method: not provided. Allele origin: germline. Inheritance: Autosomal dominant inheritance. Affected: yes.

NM_144997.7(FLCN):c.-93C>T

Gene: FLCN (folliculin; minus strand). Cytogenetic location: 17p11.2.
Variant type: single nucleotide variant.
Coding change: c.-93C>T on transcript NM_144997.7 (MANE Select); 93 bases upstream of the start codon, C replaced by T.
Molecular consequence: 5 prime UTR variant.
Genome position (GRCh38, 1-based): chr17:17,231,862, G>A on the plus strand (C>T on the coding strand, the complement: FLCN is on the minus strand). VCF-style: chr17-17231862-G-A. GRCh37 (hg19) VCF-style: chr17-17135176-G-A.
Other names: c.-93C>T (NM_001353229.2, NM_144606.7, LRG_325t1); c.-376C>T (NM_001353230.2); c.-292C>T (NM_001353231.2).
Identifiers: ClinVar variation 322076 (VCV000322076.7), dbSNP rs115413827, ClinGen allele CA10639033.